The following is an entry in ClinVar:

NM_005343.4(HRAS):c.249C>T (p.Ala83=)

Genes: HRAS (HRas proto-oncogene, GTPase; minus strand), LRRC56 (leucine rich repeat containing 56; plus strand). Cytogenetic location: 11p15.5.
Variant type: single nucleotide variant.
Coding change: c.249C>T on transcript NM_005343.4 (MANE Select); coding-DNA position 249, C replaced by T.
Protein change: p.Ala83=; no amino-acid change (alanine 83 retained).
Molecular consequence: synonymous variant. On other transcripts: 5 prime UTR variant (1).
Genome position (GRCh38, 1-based): chr11:533,807, G>A on the plus strand (C>T on the coding strand, the complement: HRAS is on the minus strand). VCF-style: chr11-533807-G-A. GRCh37 (hg19) VCF-style: chr11-533807-G-A.
Other names: c.-71C>T (NM_001318054.2); c.249C>T, p.Ala83= (NM_176795.5, NM_001130442.3); c.249C>T (NM_005343.3).
Identifiers: ClinVar variation 45298 (VCV000045298.36), dbSNP rs111372582, ClinGen allele CA135972.

ClinVar aggregate classification (germline): Likely benign. Review status: criteria provided, multiple submitters, no conflicts (2 of 4 stars). 6 submissions from 6 submitters: Likely benign (5). 1 of the submissions does not count toward it. Last evaluated 2025-11-17.

Conditions:
HRAS-related disorder. Also called: HRAS-related condition.
Cardiovascular phenotype. Identifiers: MedGen CN230736.
Hereditary cancer-predisposing syndrome. Also called: Tumor predisposition; Neoplastic Syndromes, Hereditary; Hereditary Cancer Syndrome; Hereditary neoplastic syndrome. Identifiers: Orphanet 140162, MedGen C0027672, MeSH D009386, MONDO:0015356.
Costello syndrome (CSTLO). Also called: HRAS-Related Costello Syndrome; FACIOCUTANEOSKELETAL SYNDROME; FCS SYNDROME. Identifiers: Orphanet 3071, MedGen C0587248, MONDO:0009026, OMIM 218040.

Allele frequency attached by ClinVar (database versions not stated): ExAC 0.00003; gnomAD 0.00003 and 0.00004; gnomAD exomes 0.00003 and 0.00005; TOPMed 0.00003; ESP Exome Variant Server 0.00008.
gnomAD v4.1: 69 of 1,613,252 alleles (0.0043%); highest among the groups gnomAD compares: Non-Finnish European, 0.0056%; no homozygotes.

Submissions (6):

Labcorp Genetics (formerly Invitae), Labcorp
Classification: Likely benign for Costello syndrome. Last evaluated: 2025-11-17. Review status: criteria provided, single submitter. Criteria: Invitae Variant Classification Sherloc (09022015). Collection method: clinical testing. Allele origin: germline.

CeGaT Center for Human Genetics Tuebingen
Classification: Likely benign. Last evaluated: 2024-07-01. Review status: criteria provided, single submitter. Criteria: CeGaT Center For Human Genetics Tuebingen Variant Classification Criteria Version 2. Collection method: clinical testing. Allele origin: germline. Affected: yes. Observed: 1 variant allele.
Comment: HRAS: BP4, BP7

Ambry Genetics
Classification: Likely benign for Cardiovascular phenotype. Last evaluated: 2023-02-05. Review status: criteria provided, single submitter. Criteria: Ambry Variant Classification Scheme 2023. Collection method: clinical testing. Allele origin: germline.

Sema4
Classification: Likely benign for Hereditary cancer-predisposing syndrome. Last evaluated: 2021-06-24. Review status: criteria provided, single submitter. Criteria: Sema4 Curation Guidelines. Collection method: curation. Allele origin: germline.

Laboratory for Molecular Medicine, Mass General Brigham Personalized Medicine
Classification: Likely benign. Last evaluated: 2010-09-13. Review status: criteria provided, single submitter. Criteria: LMM Criteria. Collection method: clinical testing. Allele origin: germline. Observed: 1 variant allele.

PreventionGenetics, part of Exact Sciences
Classification: Likely benign for HRAS-related condition. Last evaluated: 2020-11-10. Review status: no assertion criteria provided. Collection method: clinical testing. Allele origin: germline. Not counted in ClinVar's aggregate classification.
Comment: This variant is classified as likely benign based on ACMG/AMP sequence variant interpretation guidelines (Richards et al. 2015 PMID: 25741868, with internal and published modifications).